The following is an entry in ClinVar:

NM_014629.4(ARHGEF10):c.446C>T (p.Pro149Leu)

Gene: ARHGEF10 (Rho guanine nucleotide exchange factor 10; plus strand). Cytogenetic location: 8p23.3.
Variant type: single nucleotide variant.
Coding change: c.446C>T on transcript NM_014629.4 (MANE Select); coding-DNA position 446, C replaced by T.
Protein change: p.Pro149Leu; replaces proline 149 with leucine.
Molecular consequence: missense variant.
Genome position (GRCh38, 1-based): chr8:1,860,149, C>T. VCF-style: chr8-1860149-C-T. GRCh37 (hg19) VCF-style: chr8-1808315-C-T.
Other names: c.446C>T, p.Pro149Leu (NM_001308152.2, NM_001308153.3); short protein forms P149L, P173L.
Identifiers: ClinVar variation 2896866 (VCV002896866.3), dbSNP rs766944309, ClinGen allele CA4599759.

ClinVar aggregate classification (germline): Uncertain significance (1 of 4 stars; one submission).

Allele frequency attached by ClinVar (database versions not stated): ExAC 0.00001; gnomAD exomes 0.00001.
gnomAD v4.1: 15 of 1,613,692 alleles (0.00093%); highest among the groups gnomAD compares: Middle Eastern, 0.017%; no homozygotes.

Submission:

Labcorp Genetics (formerly Invitae), Labcorp
Classification: Uncertain significance. Last evaluated: 2023-06-02. Review status: criteria provided, single submitter. Criteria: Invitae Variant Classification Sherloc (09022015). Collection method: clinical testing. Allele origin: germline.
Comment: An algorithm developed to predict the effect of missense changes on protein structure and function (PolyPhen-2) suggests that this variant is likely to be tolerated. This variant has not been reported in the literature in individuals affected with ARHGEF10-related conditions. This variant is present in population databases (rs766944309, gnomAD 0.002%). This sequence change replaces proline, which is neutral and non-polar, with leucine, which is neutral and non-polar, at codon 149 of the ARHGEF10 protein (p.Pro149Leu). In summary, the available evidence is currently insufficient to determine the role of this variant in disease. Therefore, it has been classified as a Variant of Uncertain Significance.